The following is an entry in ClinVar:

ClinVar aggregate classification (germline): Likely benign. Review status: reviewed by expert panel (3 of 4 stars). 4 submissions from 4 submitters: Likely benign (1). 3 of the submissions do not count toward it. Last evaluated 2017-06-29.

Conditions:
Hereditary cancer-predisposing syndrome. Also called: Hereditary neoplastic syndrome; Hereditary Cancer Syndrome; Neoplastic Syndromes, Hereditary; Tumor predisposition. Identifiers: Orphanet 140162, MedGen C0027672, MeSH D009386, MONDO:0015356.
Breast-ovarian cancer, familial, susceptibility to, 2 (BROVCA2). Also called: BRCA2 Hereditary Breast and Ovarian Cancer. Identifiers: Orphanet 145, MedGen C2675520, MONDO:0012933, OMIM 612555. Disease mechanism: loss of function.
Hereditary breast ovarian cancer syndrome. Also called: Hereditary breast and ovarian cancer syndrome; BRCA1- and BRCA2-Associated Hereditary Breast and Ovarian Cancer; Hereditary breast and/or ovarian cancer syndrome; Hereditary breast and ovarian cancer; Breast and ovarian cancer; Hereditary breast and ovarian cancer syndrome (HBOC). Identifiers: Orphanet 145, MedGen C0677776, MeSH D061325, MONDO:0003582. Disease mechanism: loss of function.

Allele frequency attached by ClinVar (database versions not stated): gnomAD exomes below 0.00001.
gnomAD v4.1: 1 of 1,603,714 alleles (0.000062%); highest among the groups gnomAD compares: Non-Finnish European, 0.000085%; no homozygotes.

Submissions (4):

Evidence-based Network for the Interpretation of Germline Mutant Alleles (ENIGMA)
Classification: Likely benign for Breast-ovarian cancer, familial, susceptibility to, 2. Last evaluated: 2017-06-29. Review status: reviewed by expert panel. Criteria: ENIGMA BRCA1/2 Classification Criteria (2017-06-29). Collection method: curation. Allele origin: germline.
Comment: Synonymous substitution variant, with low bioinformatic likelihood to result in a splicing aberration (Splicing prior probability 0.02).

Color Diagnostics, LLC DBA Color Health
Classification: Likely benign for Hereditary cancer-predisposing syndrome. Last evaluated: 2025-07-21. Review status: criteria provided, single submitter. Criteria: ACMG Guidelines, 2015. Collection method: clinical testing. Allele origin: germline. Not counted in ClinVar's aggregate classification.

Labcorp Genetics (formerly Invitae), Labcorp
Classification: Likely benign for Hereditary breast ovarian cancer syndrome. Last evaluated: 2023-11-17. Review status: criteria provided, single submitter. Criteria: Invitae Variant Classification Sherloc (09022015). Collection method: clinical testing. Allele origin: germline. Not counted in ClinVar's aggregate classification.

Ambry Genetics
Classification: Likely benign for Hereditary cancer-predisposing syndrome. Last evaluated: 2017-04-13. Review status: criteria provided, single submitter. Criteria: Ambry Variant Classification Scheme 2023. Collection method: clinical testing. Allele origin: germline. Not counted in ClinVar's aggregate classification.

NM_000059.4(BRCA2):c.4188A>G (p.Gln1396=)

Gene: BRCA2 (BRCA2 DNA repair associated; plus strand). Cytogenetic location: 13q13.1.
Variant type: single nucleotide variant.
Coding change: c.4188A>G on transcript NM_000059.4 (MANE Select); coding-DNA position 4188, A replaced by G.
Protein change: p.Gln1396=; no amino-acid change (glutamine 1396 retained).
Molecular consequence: synonymous variant.
Genome position (GRCh38, 1-based): chr13:32,338,543, A>G. VCF-style: chr13-32338543-A-G. GRCh37 (hg19) VCF-style: chr13-32912680-A-G.
Identifiers: ClinVar variation 427406 (VCV000427406.17), dbSNP rs1131692129, ClinGen allele CA483437899.